The following is an entry in ClinVar:

ClinVar aggregate classification (germline): Likely benign (0 of 4 stars; one submission).

Conditions:
PLXNA2-related disorder. Also called: PLXNA2-related condition.

gnomAD v4.1: 8 of 1,613,750 alleles (0.0005%); highest among the groups gnomAD compares: Non-Finnish European, 0.00068%; no homozygotes.

Submission:

PreventionGenetics, part of Exact Sciences
Classification: Likely benign for PLXNA2-related condition. Last evaluated: 2024-08-29. Review status: no assertion criteria provided. Collection method: clinical testing. Allele origin: germline.
Comment: This variant is classified as likely benign based on ACMG/AMP sequence variant interpretation guidelines (Richards et al. 2015 PMID: 25741868, with internal and published modifications).

NM_025179.4(PLXNA2):c.1710A>G (p.Ser570=)

Gene: PLXNA2 (plexin A2; minus strand). Cytogenetic location: 1q32.2.
Variant type: single nucleotide variant.
Coding change: c.1710A>G on transcript NM_025179.4 (MANE Select); coding-DNA position 1710, A replaced by G.
Protein change: p.Ser570=; no amino-acid change (serine 570 retained).
Molecular consequence: synonymous variant.
Genome position (GRCh38, 1-based): chr1:208,098,867, T>C on the plus strand (A>G on the coding strand, the complement: PLXNA2 is on the minus strand). VCF-style: chr1-208098867-T-C. GRCh37 (hg19) VCF-style: chr1-208272212-T-C.
Identifiers: ClinVar variation 3358066 (VCV003358066.1).
Genomic context (GRCh38, chr1:208,098,867, plus strand): 5'-TGTATTCCCTCTCCCCATGCCCCTGGATGAGTTACTTACCAACCGGCTGTGCTCAGATAC[T>C]GAGATGCTGCTGGGATGCACTGCAAGGCTCACACACTGGCTGATGCTGGCAGCAAATCGA-3'
Protein context (NP_079455.3, residues 560-580): VSLAVHPSSI[Ser570=]VSEHSRLLSL